The following is an entry in ClinVar:

NM_000535.7(PMS2):c.2485A>G (p.Lys829Glu)

Gene: PMS2 (PMS1 homolog 2, mismatch repair system component; minus strand). Cytogenetic location: 7p22.1.
Variant type: single nucleotide variant.
Coding change: c.2485A>G on transcript NM_000535.7 (MANE Select); coding-DNA position 2485, A replaced by G.
Protein change: p.Lys829Glu; replaces lysine 829 with glutamic acid.
Molecular consequence: missense variant. On other transcripts: non-coding transcript variant (1).
Genome position (GRCh38, 1-based): chr7:5,973,503, T>C on the plus strand (A>G on the coding strand, the complement: PMS2 is on the minus strand). VCF-style: chr7-5973503-T-C. GRCh37 (hg19) VCF-style: chr7-6013134-T-C.
Other names: c.2317A>G, p.Lys773Glu (NM_001406874.1, NM_001406872.1); c.2209A>G, p.Lys737Glu (NM_001406875.1); c.2200A>G, p.Lys734Glu (NM_001406876.1); c.2176A>G, p.Lys726Glu (NM_001406877.1, NM_001406878.1, NM_001406879.1 and 4 more transcripts); c.2167A>G, p.Lys723Glu (NM_001406883.1, NM_001322007.2, NM_001322008.2); c.2080A>G, p.Lys694Glu (NM_001406893.1, NM_001406894.1, NM_001406895.1 and 11 more transcripts); c.2020A>G, p.Lys674Glu (NM_001406900.1); c.2011A>G, p.Lys671Glu (NM_001406901.1, NM_001406902.1); and 20 more; short protein forms K428E, K518E, K590E, K642E, K671E, K674E, K721E, K734E.
Identifiers: ClinVar variation 5026882 (VCV005026882.1).

ClinVar aggregate classification (germline): Uncertain significance (1 of 4 stars; one submission).

Conditions:
Hereditary cancer-predisposing syndrome. Also called: Neoplastic Syndromes, Hereditary; Tumor predisposition; Hereditary neoplastic syndrome; Hereditary Cancer Syndrome. Identifiers: Orphanet 140162, MedGen C0027672, MeSH D009386, MONDO:0015356.

Submission:

Ambry Genetics
Classification: Uncertain significance for Hereditary cancer-predisposing syndrome. Last evaluated: 2026-06-29. Review status: criteria provided, single submitter. Criteria: Ambry Variant Classification Scheme 2023. Collection method: clinical testing. Allele origin: germline.
Comment: The p.K829E variant (also known as c.2485A>G), located in coding exon 15 of the PMS2 gene, results from an A to G substitution at nucleotide position 2485. The lysine at codon 829 is replaced by glutamic acid, an amino acid with similar properties. This amino acid position is conserved. In addition, the in silico prediction for this alteration is inconclusive. Based on the available evidence, the clinical significance of this variant remains unclear.